The following is an entry in ClinVar:

ClinVar aggregate classification (germline): Uncertain significance. Review status: criteria provided, single submitter (1 of 4 stars). 2 submissions from 2 submitters: Uncertain significance (1). 1 of the submissions does not count toward it. Last evaluated 2023-05-08.

Conditions:
Retinitis pigmentosa 25 (RP25). Identifiers: Orphanet 791, MedGen C1864446, MONDO:0011272, OMIM 602772.

gnomAD v4.1: 4 of 1,460,904 alleles (0.00027%); highest among the groups gnomAD compares: Non-Finnish European, 0.00009%; no homozygotes.

Submissions (2):

Labcorp Genetics (formerly Invitae), Labcorp
Classification: Uncertain significance. Last evaluated: 2023-05-08. Review status: criteria provided, single submitter. Criteria: Invitae Variant Classification Sherloc (09022015). Collection method: clinical testing. Allele origin: germline.
Comment: In summary, the available evidence is currently insufficient to determine the role of this variant in disease. Therefore, it has been classified as a Variant of Uncertain Significance. This sequence change replaces glycine, which is neutral and non-polar, with aspartic acid, which is acidic and polar, at codon 1293 of the EYS protein (p.Gly1293Asp). This variant is not present in population databases (gnomAD no frequency). This variant has not been reported in the literature in individuals affected with EYS-related conditions. ClinVar contains an entry for this variant (Variation ID: 837855). Algorithms developed to predict the effect of missense changes on protein structure and function output the following: SIFT: "Not Available"; PolyPhen-2: "Benign"; Align-GVGD: "Not Available". The aspartic acid amino acid residue is found in multiple mammalian species, which suggests that this missense change does not adversely affect protein function.

Natera, Inc.
Classification: Uncertain significance for Retinitis pigmentosa type 25. Last evaluated: 2020-12-18. Review status: no assertion criteria provided. Collection method: clinical testing. Allele origin: germline. Not counted in ClinVar's aggregate classification.

NM_001142800.2(EYS):c.3878G>A (p.Gly1293Asp)

Gene: EYS (eyes shut homolog; minus strand). Cytogenetic location: 6q12.
Variant type: single nucleotide variant.
Coding change: c.3878G>A on transcript NM_001142800.2 (MANE Select); coding-DNA position 3878, G replaced by A.
Protein change: p.Gly1293Asp; replaces glycine 1293 with aspartic acid.
Molecular consequence: missense variant.
Genome position (GRCh38, 1-based): chr6:64,591,989, C>T on the plus strand (G>A on the coding strand, the complement: EYS is on the minus strand). VCF-style: chr6-64591989-C-T. GRCh37 (hg19) VCF-style: chr6-65301882-C-T.
Other names: c.3878G>A, p.Gly1293Asp (NM_001292009.2); short protein forms G1293D.
Identifiers: ClinVar variation 837855 (VCV000837855.9), dbSNP rs763158109, ClinGen allele CA364784520.
Genomic context (GRCh38, chr6:64,591,989, plus strand): 5'-AATGTTGCCAAACCAGTGGTTGGGAGAATGTCGTGCTTGACAATGCCTGTCTGTTTTGGA[C>T]CTACAAAAAGGAAAAAAGCCAAAAAGGTTAGAAAAATGAATCAGAAACGAACCACTTTGG-3'
Protein context (NP_001136272.1, residues 1283-1303): AIMDTYPVDQ[Gly1293Asp]PKQTGIVKHD